The following is an entry in ClinVar:

ClinVar aggregate classification (germline): Pathogenic/Likely pathogenic. Review status: criteria provided, multiple submitters, no conflicts (2 of 4 stars). 4 submissions from 4 submitters: Pathogenic (1); Likely pathogenic (2). 1 of the submissions does not count toward it. Last evaluated 2024-05-20.

Conditions:
Progressive sclerosing poliodystrophy (MTDPS4A). Also called: Mitochondrial DNA depletion syndrome 4A (Alpers type); Mitochondrial DNA Depletion Syndrome 4A; Alpers-Huttenlocher Syndrome (AHS); Alpers Syndrome; ALPERS DIFFUSE DEGENERATION OF CEREBRAL GRAY MATTER WITH HEPATIC CIRRHOSIS; Alpers-Huttenlocher Syndrome. Identifiers: Orphanet 726, MedGen C0205710, MONDO:0008758, OMIM 203700.
Progressive external ophthalmoplegia with mitochondrial DNA deletions, autosomal dominant 1 (PEOA1). Also called: PROGRESSIVE EXTERNAL OPHTHALMOPLEGIA, AUTOSOMAL DOMINANT 1; Autosomal Dominant Progressive External Ophthalmoplegia (adPEO). Identifiers: MedGen C1834846, MONDO:0024528, OMIM 157640.
Progressive external ophthalmoplegia with mitochondrial DNA deletions, autosomal recessive 1 (PEOB1). Also called: Progressive external ophthalmoplegia, autosomal recessive 1; Autosomal Recessive Progressive External Ophthalmoplegia (arPEO). Identifiers: Orphanet 254886, MedGen C4225153, MONDO:0009783, OMIM 258450.
Mitochondrial DNA depletion syndrome 4b. Also called: Mitochondrial Neurogastrointestinal Encephalopathy Disease, POLG-Related; MNGIE, POLG-RELATED. Identifiers: Orphanet 298, MedGen C3150914, MONDO:0013350, OMIM 613662.
Sensory ataxic neuropathy, dysarthria, and ophthalmoparesis (SANDO). Also called: Ataxia Neuropathy Spectrum (ANS); Sensory ataxic neuropathy-dysarthria-ophthalmoparesis syndrome; SENSORY ATAXIC NEUROPATHY WITH MITOCHONDRIAL DNA DELETIONS, AUTOSOMAL RECESSIVE; Epilepsy, progressive myoclonic, type 5. Identifiers: Orphanet 70595, MedGen C1843851, MONDO:0011835, OMIM 607459.

Allele frequency attached by ClinVar (database versions not stated): gnomAD exomes below 0.00001.
gnomAD v4.1: 3 of 1,614,068 alleles (0.00019%); highest among the groups gnomAD compares: South Asian, 0.0022%; no homozygotes.

Submissions (4):

Fulgent Genetics
Classification: Likely pathogenic for Progressive external ophthalmoplegia with mitochondrial DNA deletions, autosomal dominant 1; Progressive sclerosing poliodystrophy; Progressive external ophthalmoplegia with mitochondrial DNA deletions, autosomal recessive 1; Sensory ataxic neuropathy, dysarthria, and ophthalmoparesis; Mitochondrial DNA depletion syndrome 4b. Last evaluated: 2024-05-20. Review status: criteria provided, single submitter. Criteria: ACMG Guidelines, 2015. Collection method: clinical testing. Allele origin: germline.

Baylor Genetics
Classification: Likely pathogenic for Progressive sclerosing poliodystrophy. Last evaluated: 2023-11-06. Review status: criteria provided, single submitter. Criteria: ACMG Guidelines, 2015. Collection method: clinical testing. Allele origin: unknown.

Labcorp Genetics (formerly Invitae), Labcorp
Classification: Pathogenic for Progressive sclerosing poliodystrophy. Last evaluated: 2023-04-13. Review status: criteria provided, single submitter. Criteria: Invitae Variant Classification Sherloc (09022015). Collection method: clinical testing. Allele origin: germline.
Comment: For these reasons, this variant has been classified as Pathogenic. This sequence change replaces arginine, which is basic and polar, with glutamine, which is neutral and polar, at codon 275 of the POLG protein (p.Arg275Gln). This variant is not present in population databases (gnomAD no frequency). This missense change has been observed in individual(s) with autosomal recessive POLG-related disorders (PMID: 20837861, 30552426). In at least one individual the data is consistent with being in trans (on the opposite chromosome) from a pathogenic variant. ClinVar contains an entry for this variant (Variation ID: 619447). Advanced modeling of protein sequence and biophysical properties (such as structural, functional, and spatial information, amino acid conservation, physicochemical variation, residue mobility, and thermodynamic stability) performed at Invitae indicates that this missense variant is expected to disrupt POLG protein function. Experimental studies have shown that this missense change affects POLG function (PMID: 26095671).

Wong Mito Lab, Molecular and Human Genetics, Baylor College of Medicine
Classification: Uncertain significance for Progressive sclerosing poliodystrophy. Last evaluated: 2018-10-01. Review status: flagged submission. Criteria: ACMG Guidelines, 2015. Collection method: clinical testing. Allele origin: germline. Not counted in ClinVar's aggregate classification.
Comment: The NM_002693.2:c.824G>A (NP_002684.1:p.Arg275Gln) [GRCH38: NC_000015.10:g.89330112C>T] variant in POLG gene is interpretated to be a Uncertain Significance based on ACMG guidelines (PMID: 25741868). This variant meets the following evidence codes reported in the ACMG-guideline. PP3:Computational evidence/predictors indicate the variant has deleterious effect on POLG structure, function, or protein-protein interaction. Based on the evidence criteria codes applied, the variant is suggested to be Uncertain Significance.
ClinVar note: Reason: Older and outlier claim with insufficient supporting evidence

Literature cited by the submitters: PubMed 20837861 (cited by Labcorp Genetics (formerly Invitae), Labcorp); PubMed 30552426 (cited by Labcorp Genetics (formerly Invitae), Labcorp); PubMed 26095671 (cited by Labcorp Genetics (formerly Invitae), Labcorp).

NM_002693.3(POLG):c.824G>A (p.Arg275Gln)

Gene: POLG (DNA polymerase gamma, catalytic subunit; minus strand). Cytogenetic location: 15q26.1.
Variant type: single nucleotide variant.
Coding change: c.824G>A on transcript NM_002693.3 (MANE Select); coding-DNA position 824, G replaced by A.
Protein change: p.Arg275Gln; replaces arginine 275 with glutamine.
Molecular consequence: missense variant.
Genome position (GRCh38, 1-based): chr15:89,330,112, C>T on the plus strand (G>A on the coding strand, the complement: POLG is on the minus strand). VCF-style: chr15-89330112-C-T. GRCh37 (hg19) VCF-style: chr15-89873343-C-T.
Other names: c.824G>A, p.Arg275Gln (NM_001126131.2); short protein forms R275Q.
Identifiers: ClinVar variation 619447 (VCV000619447.8), dbSNP rs1555453950, ClinGen allele CA10602300.